The following is an entry in ClinVar:

NM_001025603.2(RFX5):c.446G>A (p.Arg149Gln)

Gene: RFX5 (regulatory factor X5; minus strand). Cytogenetic location: 1q21.3.
Variant type: single nucleotide variant.
Coding change: c.446G>A on transcript NM_001025603.2 (MANE Select); coding-DNA position 446, G replaced by A.
Protein change: p.Arg149Gln; replaces arginine 149 with glutamine.
Molecular consequence: missense variant.
Genome position (GRCh38, 1-based): chr1:151,344,444, C>T on the plus strand (G>A on the coding strand, the complement: RFX5 is on the minus strand). VCF-style: chr1-151344444-C-T. GRCh37 (hg19) VCF-style: chr1-151316920-C-T.
Other names: c.446G>A, p.Arg149Gln (NM_000449.4, NM_001379412.1, NM_001379413.1 and 5 more transcripts); c.326G>A, p.Arg109Gln (NM_001379419.1, NM_001379420.1); short protein forms R149Q, R109Q.
Identifiers: ClinVar variation 7648 (VCV000007648.2), dbSNP rs137853099, ClinGen allele CA118952.

ClinVar aggregate classification (germline): Uncertain significance. Review status: criteria provided, single submitter (1 of 4 stars). 2 submissions from 2 submitters: Uncertain significance (1). 1 of the submissions does not count toward it. Last evaluated 2018-06-27.

Conditions:
MHC class II deficiency. Also called: Bare lymphocyte syndrome 2; BLS, TYPE II. Identifiers: Orphanet 572, MedGen C5447452, MONDO:0008855.
MHC class II deficiency 5. Also called: Bare lymphocyte syndrome type 2, complementation group E; BARE LYMPHOCYTE SYNDROME, TYPE II, COMPLEMENTATION GROUP E. Identifiers: MedGen C1859538, MONDO:0971016, OMIM 620818.

Allele frequency attached by ClinVar (database versions not stated): gnomAD exomes below 0.00001 and 0.00001.

Submissions (2):

Labcorp Genetics (formerly Invitae), Labcorp
Classification: Uncertain significance for Bare lymphocyte syndrome 2. Last evaluated: 2018-06-27. Review status: criteria provided, single submitter. Criteria: Invitae Variant Classification Sherloc (09022015). Collection method: clinical testing. Allele origin: germline.
Comment: This sequence change replaces arginine with glutamine at codon 149 of the RFX5 protein (p.Arg149Gln). The arginine residue is highly conserved and there is a small physicochemical difference between arginine and glutamine. This variant is not present in population databases (ExAC no frequency). This variant has been reported in a family affected with bare lymphocyte syndrome (BLS) (PMID: 12368908). ClinVar contains an entry for this variant (Variation ID: 7648). Experimental studies using a patient-derived cell line have shown that this missense change abolishes RFX5 DNA binding activity and silences the expression of MHC class II genes (PMID: 12368908). In summary, the available evidence is currently insufficient to determine the role of this variant in disease. Therefore, it has been classified as a Variant of Uncertain Significance.

OMIM
Classification: Pathogenic for MHC CLASS II DEFICIENCY 5. Last evaluated: 2002-11-01. Review status: no assertion criteria provided. Collection method: literature only. Allele origin: germline. Not counted in ClinVar's aggregate classification.

Literature cited by the submitters: PubMed 12368908 (cited by Labcorp Genetics (formerly Invitae), Labcorp and OMIM); PubMed 7990905 (cited by OMIM).